The following is an entry in ClinVar:

NM_004364.5(CEBPA):c.-36C>T

Genes: CEBPA (CCAAT enhancer binding protein alpha; minus strand), LOC130064183 (ATAC-STARR-seq lymphoblastoid silent region 10495; plus strand). Cytogenetic location: 19q13.11.
Variant type: single nucleotide variant.
Coding change: c.-36C>T on transcript NM_004364.5 (MANE Select); 36 bases upstream of the start codon, C replaced by T.
Molecular consequence: 5 prime UTR variant. On other transcripts: nonsense (1).
Genome position (GRCh38, 1-based): chr19:33,302,450, G>A on the plus strand (C>T on the coding strand, the complement: CEBPA is on the minus strand). VCF-style: chr19-33302450-G-A. GRCh37 (hg19) VCF-style: chr19-33793356-G-A.
Other names: c.-393C>T (NM_001285829.2); c.70C>T, p.Arg24Ter (NM_001287424.2); c.-78C>T (NM_001287435.2); short protein forms R24*.
Identifiers: ClinVar variation 426379 (VCV000426379.5), dbSNP rs1027280601, ClinGen allele CA307844469.
Genomic context (GRCh38, chr19:33,302,450, plus strand): 5'-CCTCGTAGAAGTCGGCCGACTCCATGGGGGAGTTAGAGTTCTCCCGGCATGGCGAGCCTC[G>A]GCGGCCTCCAGCCTGCGCGGGGCGTCGCCGCCGCCCACCCGGAGACCCTGCTCGCCCGCG-3'

ClinVar aggregate classification (germline): Conflicting classifications of pathogenicity. Review status: criteria provided, conflicting classifications (1 of 4 stars). 3 submissions from 3 submitters: Uncertain significance (1); Likely benign (2). Last evaluated 2025-02-16.

Allele frequency attached by ClinVar (database versions not stated): gnomAD 0.00016; TOPMed 0.00003.
gnomAD v4.1: 57 of 1,236,596 alleles (0.0046%); highest among the groups gnomAD compares: Non-Finnish European, 0.0055%; no homozygotes.

Submissions (3):

Laboratory of Genetics, Children's Clinical University Hospital Latvia
Classification: Likely benign. Last evaluated: 2025-02-16. Review status: criteria provided, single submitter. Criteria: ACMG Guidelines, 2015. Collection method: clinical testing. Allele origin: germline. Affected: yes.

Blueprint Genetics
Classification: Likely benign. Last evaluated: 2024-09-18. Review status: criteria provided, single submitter. Criteria: ACMG Guidelines, 2015. Collection method: clinical testing. Allele origin: germline.

GeneDx
Classification: Uncertain significance. Last evaluated: 2017-04-19. Review status: criteria provided, single submitter. Criteria: GeneDx Variant Classification (06012015). Collection method: clinical testing. Allele origin: germline. Affected: yes.
Comment: The R24X variant in the CEBPA gene has not been reported previously as a pathogenic variant nor as a benign variant, to our knowledge. This variant is predicted to cause a premature stop codon, resulting in protein truncation of the last 370 amnio acids. We interpret R24X as a variant of uncertain significance.